The following is an entry in ClinVar:

ClinVar aggregate classification (germline): Pathogenic/Likely pathogenic. Review status: criteria provided, multiple submitters, no conflicts (2 of 4 stars). 5 submissions from 5 submitters: Pathogenic (4); Likely pathogenic (1). Last evaluated 2024-07-03.

Conditions:
Hereditary cancer-predisposing syndrome. Also called: Neoplastic Syndromes, Hereditary; Hereditary Cancer Syndrome; Tumor predisposition; Hereditary neoplastic syndrome. Identifiers: Orphanet 140162, MedGen C0027672, MeSH D009386, MONDO:0015356.
Familial cancer of breast. Also called: BREAST CANCER, FAMILIAL; Hereditary breast cancer; hereditary breast carcinoma. Identifiers: Orphanet 227535, MedGen C0346153, MONDO:0016419, OMIM 114480. Disease mechanism: loss of function.

Submissions (5):

Ambry Genetics
Classification: Pathogenic for Hereditary cancer-predisposing syndrome. Last evaluated: 2024-07-03. Review status: criteria provided, single submitter. Criteria: Ambry Variant Classification Scheme 2023. Collection method: clinical testing. Allele origin: germline.
Comment: The c.2974_2975dupAT pathogenic mutation, located in coding exon 9 of the PALB2 gene, results from a duplication of AT at nucleotide position 2974, causing a translational frameshift with a predicted alternate stop codon (p.M992Ifs*2). This alteration is expected to result in loss of function by premature protein truncation or nonsense-mediated mRNA decay. As such, this alteration is interpreted as a disease-causing mutation.

Labcorp Genetics (formerly Invitae), Labcorp
Classification: Pathogenic for Familial cancer of breast. Last evaluated: 2024-02-26. Review status: criteria provided, single submitter. Criteria: Invitae Variant Classification Sherloc (09022015). Collection method: clinical testing. Allele origin: germline.
Comment: This sequence change creates a premature translational stop signal (p.Met992Ilefs*2) in the PALB2 gene. It is expected to result in an absent or disrupted protein product. Loss-of-function variants in PALB2 are known to be pathogenic (PMID: 17200668, 17200671, 17200672, 24136930, 25099575). This variant is not present in population databases (gnomAD no frequency). This variant has not been reported in the literature in individuals affected with PALB2-related conditions. ClinVar contains an entry for this variant (Variation ID: 402305). For these reasons, this variant has been classified as Pathogenic.

Myriad Genetics, Inc.
Classification: Pathogenic for Familial cancer of breast. Last evaluated: 2023-09-14. Review status: criteria provided, single submitter. Criteria: Myriad Autosomal Dominant, Autosomal Recessive and X-Linked Classification Criteria (2023). Collection method: clinical testing. Allele origin: unknown.
Comment: This variant is considered pathogenic. This variant creates a frameshift predicted to result in premature protein truncation.

Baylor Genetics
Classification: Pathogenic for Familial cancer of breast. Last evaluated: 2023-09-01. Review status: criteria provided, single submitter. Criteria: ACMG Guidelines, 2015. Collection method: clinical testing. Allele origin: unknown.

Women's Health and Genetics/Laboratory Corporation of America, LabCorp
Classification: Likely pathogenic for Familial cancer of breast. Last evaluated: 2018-02-22. Review status: criteria provided, single submitter. Criteria: LabCorp Variant Classification Summary - May 2015. Collection method: clinical testing. Allele origin: germline.
Comment: Variant summary: PALB2 c.2974_2975dupAT (p.Met992IlefsX2) results in a premature termination codon, predicted to cause a truncation of the encoded protein or absence of the protein due to nonsense mediated decay, which are commonly known mechanisms for disease. Truncations downstream of this position have been classified as pathogenic by our laboratory (e.g. c.3113G>A (p.Trp1038X), c.3323delA (p.Tyr1108fsX16), c.3549C>A (p.Tyr1183X)). The variant was absent in 246244 control chromosomes (gnomAD). To our knowledge, no occurrence of c.2974_2975dupAT in individuals affected with Hereditary Breast and Ovarian Cancer and no experimental evidence demonstrating its impact on protein function have been reported. One clinical diagnostic laboratory has submitted clinical-significance assessments for this variant to ClinVar after 2014 without evidence for independent evaluation, classifying the variant as pathogenic. Based on the evidence outlined above, the variant was classified as likely pathogenic.

Literature cited by the submitters: PubMed 17200668 (cited by Labcorp Genetics (formerly Invitae), Labcorp); PubMed 17200671 (cited by Labcorp Genetics (formerly Invitae), Labcorp); PubMed 17200672 (cited by Labcorp Genetics (formerly Invitae), Labcorp); PubMed 24136930 (cited by Labcorp Genetics (formerly Invitae), Labcorp); PubMed 25099575 (cited by Labcorp Genetics (formerly Invitae), Labcorp).

NM_024675.4(PALB2):c.2974_2975dup (p.Met992fs)

Gene: PALB2 (partner and localizer of BRCA2; minus strand). Cytogenetic location: 16p12.2.
Variant type: Duplication.
Coding change: c.2974_2975dup on transcript NM_024675.4 (MANE Select); coding-DNA positions 2974 to 2975, 2 bases duplicated (AT; older notation c.2974_2975dupAT).
Protein change: p.Met992fs; shifts the reading frame from methionine 992.
Molecular consequence: frameshift variant.
Genome position (GRCh38, 1-based): chr16:23,622,990-23,622,991, AT duplicated on the plus strand (AT on the coding strand, the reverse complement: PALB2 is on the minus strand). VCF-style (leftmost placement, unchanged base first): chr16-23622989-C-CAT. GRCh37 (hg19) VCF-style: chr16-23634310-C-CAT.
Other names: c.2974_2975dupAT (NM_024675.3); short protein forms M992fs.
Identifiers: ClinVar variation 402305 (VCV000402305.19), dbSNP rs1555459520, ClinGen allele CA16609589.